The following is an entry in ClinVar:

NM_013275.6(ANKRD11):c.1355dup (p.Asn452fs)

Gene: ANKRD11 (ankyrin repeat domain containing 11; minus strand). Cytogenetic location: 16q24.3.
Variant type: Duplication.
Coding change: c.1355dup on transcript NM_013275.6 (MANE Select); coding-DNA position 1355, one base duplicated (A; older notation c.1355dupA).
Protein change: p.Asn452fs; shifts the reading frame from asparagine 452.
Molecular consequence: frameshift variant.
Genome position (GRCh38, 1-based): chr16:89,285,187, T duplicated on the plus strand (A on the coding strand, the reverse complement: ANKRD11 is on the minus strand); the first of 7 consecutive T bases (chr16:89,285,187-89,285,193); duplicating any one gives the same sequence. VCF-style (leftmost placement, unchanged base first): chr16-89285186-A-AT. GRCh37 (hg19) VCF-style: chr16-89351594-A-AT.
Other names: c.1355dup (NM_013275.5); c.1355dup, p.Asn452fs (NM_001256182.2, NM_001256183.2); c.1355dupA (NM_013275.5); short protein forms N452fs.
Identifiers: ClinVar variation 817232 (VCV000817232.2), dbSNP rs1597465118, ClinGen allele CA915949404.

ClinVar aggregate classification (germline): Pathogenic (1 of 4 stars; one submission).

Submission:

GeneDx
Classification: Pathogenic. Last evaluated: 2023-10-09. Review status: criteria provided, single submitter. Criteria: GeneDx Variant Classification Process June 2021. Collection method: clinical testing. Allele origin: germline. Affected: yes.
Comment: Frameshift variant predicted to result in protein truncation or nonsense mediated decay in a gene for which loss of function is a known mechanism of disease; Not observed at significant frequency in large population cohorts (gnomAD); Has not been previously published as pathogenic or benign to our knowledge